The following is an entry in ClinVar:

NM_019844.4(SLCO1B3):c.1747+1G>A

Genes: SLCO1B3 (solute carrier organic anion transporter family member 1B3; plus strand), SLCO1B3-SLCO1B7 (SLCO1B3-SLCO1B7 readthrough; plus strand). Cytogenetic location: 12p12.2.
Variant type: single nucleotide variant.
Coding change: c.1747+1G>A on transcript NM_019844.4 (MANE Select); the canonical splice donor site of the intron after coding-DNA position 1747, G replaced by A.
Molecular consequence: splice donor variant.
Genome position (GRCh38, 1-based): chr12:20,898,501, G>A. VCF-style: chr12-20898501-G-A. GRCh37 (hg19) VCF-style: chr12-21051435-G-A.
Other names: SLCO1B3, IVS13, G-A, +1; c.1663+1G>A (NM_001349920.2); c.1747+1G>A (NM_001371097.1).
Identifiers: ClinVar variation 30488 (VCV000030488.13), dbSNP rs373707046, ClinGen allele CA233508898.

ClinVar aggregate classification (germline): Pathogenic. Review status: criteria provided, multiple submitters, no conflicts (2 of 4 stars). 6 submissions from 6 submitters: Pathogenic (5). 1 of the submissions does not count toward it. Last evaluated 2026-05-08.

Conditions:
SLCO1B3-related disorder. Also called: SLCO1B3-related condition.
Rotor syndrome (HBLRR). Also called: HYPERBILIRUBINEMIA, ROTOR TYPE; HYPERBILIRUBINEMIA, ROTOR TYPE, DIGENIC. Identifiers: Orphanet 3111, MedGen C0220991, MONDO:0009379, OMIM 237450.

Allele frequency attached by ClinVar (database versions not stated): gnomAD 0.00001; gnomAD exomes 0.00001.
gnomAD v4.1: 40 of 1,495,020 alleles (0.0027%); highest among the groups gnomAD compares: East Asian, 0.018%; 1 homozygote.

Submissions (6):

PreventionGenetics, part of Exact Sciences
Classification: Pathogenic for SLCO1B3-related condition. Last evaluated: 2026-05-08. Review status: criteria provided, single submitter. Criteria: ACMG Guidelines, 2015. Collection method: clinical testing. Allele origin: germline.
Comment: The SLCO1B3 c.1747+1G>A variant is predicted to disrupt the GT donor site and interfere with normal splicing. This variant, referred to as the "R3" haplotype when in cis to SLCO1B1 c.757C>T (p.Arg253*), has been reported in the compound heterozygous and homozygous states in multiple individuals with Rotor syndrome (van de Steeg et al. 2012. PubMed ID: 22232210; Zhou et al. 2020. PubMed ID: 32082363; Cheng et al. 2023. PubMed ID: 36964102). This variant is reported in 0.0056% of alleles in individuals of East Asian descent in gnomAD. Taken together, this variant is interpreted as pathogenic.

3billion
Classification: Pathogenic for Rotor syndrome. Last evaluated: 2025-08-28. Review status: criteria provided, single submitter. Criteria: ACMG Guidelines, 2015. Collection method: clinical testing. Allele origin: germline. Affected: yes.
Comment: The variant is observed at an extremely low frequency in the gnomAD v4.1.0 dataset (total allele frequency: 0.003%). Predicted Consequence/Location: Canonical splice site: predicted to alter splicing and result in a loss or disruption of normal protein function. Multiple pathogenic loss-of-function variants are reported downstream of the variant. The variant has been reported at least twice as pathogenic with clinical assertions and evidence for the classification (ClinVar ID: VCV000030488 /PMID: 22232210 /3billion dataset). Therefore, this variant is classified as Pathogenic according to the recommendation of ACMG/AMP guideline.

Blueprint Genetics
Classification: Pathogenic for SLCO1B3-related disorders. Last evaluated: 2024-07-02. Review status: criteria provided, single submitter. Criteria: ACMG Guidelines, 2015. Collection method: clinical testing. Allele origin: germline. Affected: yes. Observed: 5 variant alleles.

Women's Health and Genetics/Laboratory Corporation of America, LabCorp
Classification: Pathogenic for Rotor syndrome. Last evaluated: 2022-12-09. Review status: criteria provided, single submitter. Criteria: LabCorp Variant Classification Summary - May 2015. Collection method: clinical testing. Allele origin: germline.
Comment: Variant summary: SLCO1B3 c.1747+1G>A is located in a canonical splice-site and is predicted to affect mRNA splicing resulting in a significantly altered protein due to either exon skipping, shortening, or inclusion of intronic material. Several computational tools predict a significant impact on normal splicing: Three predict the variant abolishes a 5' splicing donor site. However, these predictions have yet to be confirmed by functional studies. The variant allele was found at a frequency of 8.2e-06 in 245200 control chromosomes. c.1747+1G>A has been reported in the literature in individuals affected with Rotor Syndrome who carry a pathogenic variant in SLCO1B1 (Zhou_2019, van de Steeg_2012 and Chen_2019). It has been shown that digenic pathogenic variants in SLCO1B1 and SLCO1B3 cause Rotor syndrome (GeneReviews, NCBI Bookshelf). These data indicate that the variant may be associated with disease. To our knowledge, no experimental evidence demonstrating an impact on protein function has been reported. No clinical diagnostic laboratories have submitted clinical-significance assessments for this variant to ClinVar after 2014. Based on the evidence outlined above, the variant was classified as pathogenic.

Baylor Genetics
Classification: Pathogenic for Rotor syndrome. Last evaluated: 2022-03-17. Review status: criteria provided, single submitter. Criteria: ACMG Guidelines, 2015. Collection method: clinical testing. Allele origin: unknown.

OMIM
Classification: Pathogenic for HYPERBILIRUBINEMIA, ROTOR TYPE, DIGENIC. Last evaluated: 2012-02-01. Review status: no assertion criteria provided. Collection method: literature only. Allele origin: germline. Not counted in ClinVar's aggregate classification.

Literature cited by the submitters: PubMed 22232210 (cited by 3 submitters); PubMed 30366773 (cited by Women's Health and Genetics/Laboratory Corporation of America, LabCorp); PubMed 32082363 (cited by Women's Health and Genetics/Laboratory Corporation of America, LabCorp).